The following is an entry in ClinVar:

NM_176869.3(PPA2):c.992T>G (p.Phe331Cys)

Gene: PPA2 (inorganic pyrophosphatase 2; minus strand). Cytogenetic location: 4q24.
Variant type: single nucleotide variant.
Coding change: c.992T>G on transcript NM_176869.3 (MANE Select); coding-DNA position 992, T replaced by G.
Protein change: p.Phe331Cys; replaces phenylalanine 331 with cysteine.
Molecular consequence: missense variant.
Genome position (GRCh38, 1-based): chr4:105,369,738, A>C on the plus strand (T>G on the coding strand, the complement: PPA2 is on the minus strand). VCF-style: chr4-105369738-A-C. GRCh37 (hg19) VCF-style: chr4-106290895-A-C.
Other names: c.905T>G, p.Phe302Cys (NM_006903.4); c.686T>G, p.Phe229Cys (NM_176866.2); c.494T>G, p.Phe165Cys (NM_176867.3); short protein forms F302C, F165C, F229C, F331C.
Identifiers: ClinVar variation 1508150 (VCV001508150.6), dbSNP rs371782506, ClinGen allele CA3032323.
Genomic context (GRCh38, chr4:105,369,738, plus strand): 5'-AGTCCTTAGAGATGGGAATCTTGACAGCAGAATTTCAGATGTTTCAATCACTTGCCAAGG[A>C]AGTGCCACACTTGCTCTGCATTTAAAATGGGGAAAGAGGGTATTAGGGAAGGGATAAGAG-3'
Protein context (NP_789845.1, residues 321-334): ESNEEEQVWH[Phe331Cys]LGK

ClinVar aggregate classification (germline): Uncertain significance (1 of 4 stars; one submission).

Allele frequency attached by ClinVar (database versions not stated): gnomAD exomes below 0.00001 and 0.00001; ExAC 0.00001; TOPMed 0.00002; ESP Exome Variant Server 0.00008.
gnomAD v4.1: 9 of 1,592,576 alleles (0.00057%); highest among the groups gnomAD compares: Non-Finnish European, 0.00069%; no homozygotes.

Submission:

Labcorp Genetics (formerly Invitae), Labcorp
Classification: Uncertain significance. Last evaluated: 2022-03-08. Review status: criteria provided, single submitter. Criteria: Invitae Variant Classification Sherloc (09022015). Collection method: clinical testing. Allele origin: germline.
Comment: In summary, the available evidence is currently insufficient to determine the role of this variant in disease. Therefore, it has been classified as a Variant of Uncertain Significance. Algorithms developed to predict the effect of missense changes on protein structure and function are either unavailable or do not agree on the potential impact of this missense change (SIFT: "Deleterious"; PolyPhen-2: "Probably Damaging"; Align-GVGD: "Class C15"). This variant has not been reported in the literature in individuals affected with PPA2-related conditions. This variant is present in population databases (rs371782506, gnomAD 0.0009%). This sequence change replaces phenylalanine, which is neutral and non-polar, with cysteine, which is neutral and slightly polar, at codon 331 of the PPA2 protein (p.Phe331Cys).